The following is an entry in ClinVar:

ClinVar aggregate classification (germline): Benign. Review status: criteria provided, multiple submitters, no conflicts (2 of 4 stars). 8 submissions from 8 submitters: Benign (8). Last evaluated 2026-09-01.

Conditions:
Rubinstein-Taybi syndrome (RSTS). Identifiers: Orphanet 783, MedGen C0035934, MONDO:0019188.
Inborn genetic diseases. Identifiers: MedGen C0950123, MeSH D030342.

Allele frequency attached by ClinVar (database versions not stated): 1000 Genomes Project 30x 0.00344; 1000 Genomes Project 0.00379; TOPMed 0.00649; ESP Exome Variant Server 0.00654; gnomAD 0.00968 and 0.01000; ExAC 0.01037; gnomAD exomes 0.01073.
gnomAD v4.1: 18,906 of 1,614,200 alleles (1.2%); highest among the groups gnomAD compares: Non-Finnish European, 1.2%; 179 homozygotes.

Submissions (8):

CeGaT Center for Human Genetics Tuebingen
Classification: Benign. Last evaluated: 2026-09-01. Review status: criteria provided, single submitter. Criteria: CeGaT Center For Human Genetics Tuebingen Variant Classification Criteria Version 2. Collection method: clinical testing. Allele origin: germline. Affected: yes. Observed: 60 variant alleles.
Comment: CREBBP: BP4, BP7, BS1, BS2

Labcorp Genetics (formerly Invitae), Labcorp
Classification: Benign for Rubinstein-Taybi syndrome. Last evaluated: 2026-01-26. Review status: criteria provided, single submitter. Criteria: Invitae Variant Classification Sherloc (09022015). Collection method: clinical testing. Allele origin: germline.

Mayo Clinic Laboratories, Mayo Clinic
Classification: Benign. Last evaluated: 2025-08-05. Review status: criteria provided, single submitter. Criteria: ACMG Guidelines, 2015. Collection method: clinical testing. Allele origin: germline. Observed: 2 variant alleles.
Comment: BS1, BS2, BP4, BP7

GeneDx
Classification: Benign. Last evaluated: 2018-10-09. Review status: criteria provided, single submitter. Criteria: GeneDx Variant Classification Process June 2021. Collection method: clinical testing. Allele origin: germline. Affected: yes.

Ambry Genetics
Classification: Benign for Inborn genetic diseases. Last evaluated: 2016-05-13. Review status: criteria provided, single submitter. Criteria: Ambry Variant Classification Scheme 2023. Collection method: clinical testing. Allele origin: germline.

Eurofins Ntd Llc (ga)
Classification: Benign. Last evaluated: 2013-05-10. Review status: criteria provided, single submitter. Criteria: EGL Classification Definitions 2015. Collection method: clinical testing. Allele origin: germline. Observed: 1 variant allele, 1 heterozygote.

Genetic Services Laboratory, University of Chicago
Classification: Benign. Last evaluated: 2013-02-08. Review status: criteria provided, single submitter. Criteria: ACMG Guidelines, 2007. Collection method: clinical testing. Allele origin: germline. Inheritance: Autosomal dominant inheritance.

Breakthrough Genomics
Classification: Benign. Review status: criteria provided, single submitter. Criteria: ACMG Guidelines, 2015. Collection method: not provided. Allele origin: germline. Inheritance: Autosomal dominant inheritance. Affected: yes.

NM_004380.3(CREBBP):c.459G>A (p.Pro153=)

Gene: CREBBP (CREB binding lysine acetyltransferase; minus strand). Cytogenetic location: 16p13.3.
Variant type: single nucleotide variant.
Coding change: c.459G>A on transcript NM_004380.3 (MANE Select); coding-DNA position 459, G replaced by A.
Protein change: p.Pro153=; no amino-acid change (proline 153 retained).
Molecular consequence: synonymous variant.
Genome position (GRCh38, 1-based): chr16:3,850,636, C>T on the plus strand (G>A on the coding strand, the complement: CREBBP is on the minus strand). VCF-style: chr16-3850636-C-T. GRCh37 (hg19) VCF-style: chr16-3900637-C-T.
Other names: p.Pro153=; c.459G>A, p.Pro153= (NM_001079846.1).
Identifiers: ClinVar variation 95049 (VCV000095049.56), dbSNP rs56388626, ClinGen allele CA148124.